The following is an entry in ClinVar:

NM_000719.7(CACNA1C):c.76G>A (p.Ala26Thr)

Gene: CACNA1C (calcium voltage-gated channel subunit alpha1 C; plus strand). Cytogenetic location: 12p13.33.
Variant type: single nucleotide variant.
Coding change: c.76G>A on transcript NM_000719.7 (MANE Select); coding-DNA position 76, G replaced by A.
Protein change: p.Ala26Thr; replaces alanine 26 with threonine.
Molecular consequence: missense variant.
Genome position (GRCh38, 1-based): chr12:2,115,250, G>A. VCF-style: chr12-2115250-G-A. GRCh37 (hg19) VCF-style: chr12-2224416-G-A.
Other names: c.76G>A, p.Ala26Thr (NM_001129827.2, NM_001129829.2, NM_001129830.3 and 19 more transcripts); short protein forms A26T.
Identifiers: ClinVar variation 190707 (VCV000190707.16), dbSNP rs369483452, ClinGen allele CA301783.

ClinVar aggregate classification (germline): Conflicting classifications of pathogenicity. Review status: criteria provided, conflicting classifications (1 of 4 stars). 6 submissions from 6 submitters: Uncertain significance (4); Likely benign (2). Last evaluated 2026-03-11.

Conditions:
CACNA1C-related disorder. Also called: CACNA1C-related disorders; CACNA1C-related condition. Identifiers: MedGen CN381092, MONDO:0700321.
Cardiovascular phenotype. Identifiers: MedGen CN230736.
Long QT syndrome (LQTS). Identifiers: MedGen C0023976, MeSH D008133, MONDO:0002442. Disease mechanism: loss of function. Inheritance: Various modes of inheritance.
Timothy syndrome (TS). Also called: LONG QT SYNDROME WITH SYNDACTYLY. Identifiers: Orphanet 65283, MedGen C1832916, MeSH C536962, MONDO:0010979, OMIM 601005.

Allele frequency attached by ClinVar (database versions not stated): gnomAD exomes 0.00003 and 0.00006; ExAC 0.00022; gnomAD 0.00005; ESP Exome Variant Server 0.00017; TOPMed 0.00005.
gnomAD v4.1: 59 of 1,585,740 alleles (0.0037%); highest among the groups gnomAD compares: Middle Eastern, 0.017%; no homozygotes.

Submissions (6):

PreventionGenetics, part of Exact Sciences
Classification: Uncertain significance for CACNA1C-related condition. Last evaluated: 2026-03-11. Review status: criteria provided, single submitter. Criteria: ACMG Guidelines, 2015. Collection method: clinical testing. Allele origin: germline.
Comment: The CACNA1C c.76G>A variant is predicted to result in the amino acid substitution p.Ala26Thr. To our knowledge, this variant has not been reported in the literature. This variant is reported in 0.037% of alleles in individuals of European (Finnish) descent in gnomAD. Although we suspect that this variant may be benign, at this time, the clinical significance of this variant is uncertain due to the absence of conclusive functional and genetic evidence.

Labcorp Genetics (formerly Invitae), Labcorp
Classification: Likely benign for Long QT syndrome. Last evaluated: 2025-11-12. Review status: criteria provided, single submitter. Criteria: Invitae Variant Classification Sherloc (09022015). Collection method: clinical testing. Allele origin: germline.

Molecular Diagnostic Laboratory for Inherited Cardiovascular Disease, Montreal Heart Institute
Classification: Uncertain significance for Cardiovascular phenotype. Last evaluated: 2025-04-09. Review status: criteria provided, single submitter. Criteria: ACMG Guidelines, 2015. Collection method: clinical testing. Allele origin: germline. Affected: yes.

Blueprint Genetics
Classification: Likely benign. Last evaluated: 2023-11-30. Review status: criteria provided, single submitter. Criteria: ACMG Guidelines, 2015. Collection method: clinical testing. Allele origin: germline.

Ambry Genetics
Classification: Uncertain significance for Cardiovascular phenotype. Last evaluated: 2022-09-12. Review status: criteria provided, single submitter. Criteria: Ambry Variant Classification Scheme 2023. Collection method: clinical testing. Allele origin: germline.
Comment: The p.A26T variant (also known as c.76G>A), located in coding exon 2 of the CACNA1C gene, results from a G to A substitution at nucleotide position 76. The alanine at codon 26 is replaced by threonine, an amino acid with similar properties. This amino acid position is well conserved in available vertebrate species. In addition, the in silico prediction for this alteration is inconclusive. Based on the supporting evidence, the association of this alteration with CACNA1C-related neurodevelopmental disorder is unknown; however, the association of this alteration with CACNA1C-related long QT syndrome is unlikely.

New York Genome Center
Classification: Uncertain significance for Timothy syndrome. Last evaluated: 2019-06-21. Review status: criteria provided, single submitter. Criteria: NYGC Assertion Criteria 2020. Collection method: clinical testing. Allele origin: germline. Observed: 1 heterozygote. Study: CSER-NYCKidSeq.